The following is an entry in ClinVar:

ClinVar aggregate classification (germline): Uncertain significance (1 of 4 stars; one submission).

Conditions:
Autosomal recessive limb-girdle muscular dystrophy type R18 (LGMDR18). Also called: Limb-girdle muscular dystrophy, type 2S; MUSCULAR DYSTROPHY, LIMB-GIRDLE, AUTOSOMAL RECESSIVE 18; Autosomal recessive limb-girdle muscular dystrophy type 2S. Identifiers: Orphanet 369840, MedGen C4517996, MONDO:0014144, OMIM 615356.

Submission:

Labcorp Genetics (formerly Invitae), Labcorp
Classification: Uncertain significance for Autosomal recessive limb-girdle muscular dystrophy type R18. Last evaluated: 2020-07-01. Review status: criteria provided, single submitter. Criteria: Invitae Variant Classification Sherloc (09022015). Collection method: clinical testing. Allele origin: germline.
Comment: This sequence change replaces arginine with serine at codon 988 of the TRAPPC11 protein (p.Arg988Ser). The arginine residue is highly conserved and there is a moderate physicochemical difference between arginine and serine. This variant is not present in population databases (ExAC no frequency). In summary, the available evidence is currently insufficient to determine the role of this variant in disease. Therefore, it has been classified as a Variant of Uncertain Significance. Algorithms developed to predict the effect of sequence changes on RNA splicing suggest that this variant may disrupt the consensus splice site, but this prediction has not been confirmed by published transcriptional studies. Algorithms developed to predict the effect of missense changes on protein structure and function are either unavailable or do not agree on the potential impact of this missense change (SIFT: "Deleterious"; PolyPhen-2: "Benign"; Align-GVGD: "Class C65"). This variant has not been reported in the literature in individuals with TRAPPC11-related conditions.

NM_021942.6(TRAPPC11):c.2964G>T (p.Arg988Ser)

Gene: TRAPPC11 (trafficking protein particle complex subunit 11; plus strand). Cytogenetic location: 4q35.1.
Variant type: single nucleotide variant.
Coding change: c.2964G>T on transcript NM_021942.6 (MANE Select); coding-DNA position 2964, G replaced by T.
Protein change: p.Arg988Ser; replaces arginine 988 with serine.
Molecular consequence: missense variant.
Genome position (GRCh38, 1-based): chr4:183,704,979, G>T. VCF-style: chr4-183704979-G-T. GRCh37 (hg19) VCF-style: chr4-184626132-G-T.
Other names: c.2964G>T, p.Arg988Ser (NM_199053.3); short protein forms R988S.
Identifiers: ClinVar variation 1027005 (VCV001027005.9), dbSNP rs1736982388, ClinGen allele CA358874033.
Genomic context (GRCh38, chr4:183,704,979, plus strand): 5'-CTTTCATAGTTTAAAAAGATGTTTAAAAAGAGTTTAAAAAGATGACCTCTTCTGCCACAG[G>T]ACCTCAGCAATGGAGAATATCCCCATCATCACAACTGTCATCACTCTGCCGCACGTGATT-3'
Protein context (NP_068761.4, residues 978-998): ATGHYIISWK[Arg988Ser]TSAMENIPII